The following is an entry in ClinVar:

NM_001367561.1(DOCK7):c.125A>G (p.Asn42Ser)

Gene: DOCK7 (dedicator of cytokinesis 7; minus strand). Cytogenetic location: 1p31.3.
Variant type: single nucleotide variant.
Coding change: c.125A>G on transcript NM_001367561.1 (MANE Select); coding-DNA position 125, A replaced by G.
Protein change: p.Asn42Ser; replaces asparagine 42 with serine.
Molecular consequence: missense variant.
Genome position (GRCh38, 1-based): chr1:62,663,044, T>C on the plus strand (A>G on the coding strand, the complement: DOCK7 is on the minus strand). VCF-style: chr1-62663044-T-C. GRCh37 (hg19) VCF-style: chr1-63128715-T-C.
Other names: c.125A>G, p.Asn42Ser (NM_001271999.2, NM_001272000.2, NM_001272001.2 and 3 more transcripts); c.125A>G (NM_033407.3); short protein forms N42S.
Identifiers: ClinVar variation 475123 (VCV000475123.19), dbSNP rs143701798, ClinGen allele CA887279.
Genomic context (GRCh38, chr1:62,663,044, plus strand): 5'-CATACACCAAGAAGAGACTATATTTTGAATACGTTACTTACTGTGGTGTGATGGGATATA[T>C]TGCCAACAATATTAAGGTTTTTGAGCAGTTGGGGAGAACCACTATATTGTCCGGAGATCT-3'
Protein context (NP_001354490.1, residues 32-52): QLLKNLNIVG[Asn42Ser]ISHHTTVPLT

ClinVar aggregate classification (germline): Benign/Likely benign. Review status: criteria provided, multiple submitters, no conflicts (2 of 4 stars). 7 submissions from 7 submitters: Benign (1); Likely benign (5). 1 of the submissions does not count toward it. Last evaluated 2026-02-02.

Conditions:
DOCK7-related disorder. Also called: DOCK7-related condition.
Developmental and epileptic encephalopathy, 23 (DEE23). Also called: Epileptic encephalopathy, early infantile, 23. Identifiers: Orphanet 411986, MedGen C4014492, MONDO:0014371, OMIM 615859.

Allele frequency attached by ClinVar (database versions not stated): gnomAD exomes 0.00012 and 0.00031; ExAC 0.00043; gnomAD 0.00125 and 0.00133; 1000 Genomes Project 30x 0.00141; TOPMed 0.00145; ESP Exome Variant Server 0.00154; 1000 Genomes Project 0.00160.
gnomAD v4.1: 377 of 1,613,560 alleles (0.023%); highest among the groups gnomAD compares: African/African-American, 0.38%; 2 homozygotes.

Submissions (7):

Labcorp Genetics (formerly Invitae), Labcorp
Classification: Likely benign for Developmental and epileptic encephalopathy, 23. Last evaluated: 2026-02-02. Review status: criteria provided, single submitter. Criteria: Invitae Variant Classification Sherloc (09022015). Collection method: clinical testing. Allele origin: germline.

Athena Diagnostics
Classification: Benign. Last evaluated: 2024-02-20. Review status: criteria provided, single submitter. Criteria: Athena Diagnostics Criteria. Collection method: clinical testing. Allele origin: unknown.

Genome-Nilou Lab
Classification: Likely benign for Developmental and epileptic encephalopathy, 23. Last evaluated: 2023-04-11. Review status: criteria provided, single submitter. Criteria: ACMG Guidelines, 2015. Collection method: clinical testing. Allele origin: germline. Affected: no.

Blueprint Genetics
Classification: Likely benign. Last evaluated: 2021-12-15. Review status: criteria provided, single submitter. Criteria: ACMG Guidelines, 2015. Collection method: clinical testing. Allele origin: germline.

GeneDx
Classification: Likely benign. Last evaluated: 2021-04-07. Review status: criteria provided, single submitter. Criteria: GeneDx Variant Classification Process June 2021. Collection method: clinical testing. Allele origin: germline. Affected: yes.

Breakthrough Genomics
Classification: Likely benign. Review status: criteria provided, single submitter. Criteria: ACMG Guidelines, 2015. Collection method: not provided. Allele origin: germline. Inheritance: Autosomal recessive inheritance. Affected: yes.

PreventionGenetics, part of Exact Sciences
Classification: Likely benign for DOCK7-related condition. Last evaluated: 2022-11-11. Review status: no assertion criteria provided. Collection method: clinical testing. Allele origin: germline. Not counted in ClinVar's aggregate classification.
Comment: This variant is classified as likely benign based on ACMG/AMP sequence variant interpretation guidelines (Richards et al. 2015 PMID: 25741868, with internal and published modifications).